The following is an entry in ClinVar:

NM_002734.5(PRKAR1A):c.478G>C (p.Ala160Pro)

Gene: PRKAR1A (protein kinase cAMP-dependent type I regulatory subunit alpha; plus strand). Cytogenetic location: 17q24.2.
Variant type: single nucleotide variant.
Coding change: c.478G>C on transcript NM_002734.5 (MANE Select); coding-DNA position 478, G replaced by C.
Protein change: p.Ala160Pro; replaces alanine 160 with proline.
Molecular consequence: missense variant.
Genome position (GRCh38, 1-based): chr17:68,524,053, G>C. VCF-style: chr17-68524053-G-C. GRCh37 (hg19) VCF-style: chr17-66520194-G-C.
Other names: c.478G>C, p.Ala160Pro (NM_001276289.2, NM_001276290.1, NM_001278433.2 and 4 more transcripts); short protein forms A160P.
Identifiers: ClinVar variation 4862516 (VCV004862516.1).

ClinVar aggregate classification (germline): Uncertain significance (1 of 4 stars; one submission).

Conditions:
Hereditary cancer-predisposing syndrome. Also called: Neoplastic Syndromes, Hereditary; Tumor predisposition; Hereditary Cancer Syndrome; Hereditary neoplastic syndrome. Identifiers: Orphanet 140162, MedGen C0027672, MeSH D009386, MONDO:0015356.

Submission:

Ambry Genetics
Classification: Uncertain significance for Hereditary cancer-predisposing syndrome. Last evaluated: 2026-05-28. Review status: criteria provided, single submitter. Criteria: Ambry Variant Classification Scheme 2023. Collection method: clinical testing. Allele origin: germline.
Comment: The p.A160P variant (also known as c.478G>C), located in coding exon 4 of the PRKAR1A gene, results from a G to C substitution at nucleotide position 478. The alanine at codon 160 is replaced by proline, an amino acid with highly similar properties. This amino acid position is conserved. In addition, this alteration is predicted to be deleterious by in silico analysis. Based on the available evidence, the clinical significance of this variant remains unclear.